The following is an entry in ClinVar:

ClinVar aggregate classification (germline): Uncertain significance (1 of 4 stars; one submission).

Submission:

GeneDx
Classification: Uncertain significance. Last evaluated: 2022-12-09. Review status: criteria provided, single submitter. Criteria: GeneDx Variant Classification Process June 2021. Collection method: clinical testing. Allele origin: germline. Affected: yes.
Comment: Not observed at significant frequency in large population cohorts (gnomAD); In silico analysis supports that this missense variant has a deleterious effect on protein structure/function; Has not been previously published as pathogenic or benign to our knowledge

NM_000702.4(ATP1A2):c.655G>A (p.Glu219Lys)

Genes: ATP1A2 (ATPase Na+/K+ transporting subunit alpha 2; plus strand), LOC126805890 (CDK7 strongly-dependent group 2 enhancer GRCh37_chr1:160093987-160095186; plus strand). Cytogenetic location: 1q23.2.
Variant type: single nucleotide variant.
Coding change: c.655G>A on transcript NM_000702.4 (MANE Select); coding-DNA position 655, G replaced by A.
Protein change: p.Glu219Lys; replaces glutamic acid 219 with lysine.
Molecular consequence: missense variant.
Genome position (GRCh38, 1-based): chr1:160,125,160, G>A. VCF-style: chr1-160125160-G-A. GRCh37 (hg19) VCF-style: chr1-160094950-G-A.
Other names: short protein forms E219K.
Identifiers: ClinVar variation 2504687 (VCV002504687.1), dbSNP rs2524859326, ClinGen allele CA343235171.